The following is an entry in ClinVar:

ClinVar aggregate classification (germline): Benign/Likely benign. Review status: criteria provided, multiple submitters, no conflicts (2 of 4 stars). 6 submissions from 6 submitters: Benign (3); Likely benign (3). Last evaluated 2026-01-31.

Conditions:
Wolcott-Rallison dysplasia. Also called: MED-IDDM SYNDROME; Wolcott-Rallison syndrome. Identifiers: Orphanet 1667, MedGen C0432217, MONDO:0009192, OMIM 226980.

Allele frequency attached by ClinVar (database versions not stated): ExAC 0.00014; gnomAD exomes 0.00021 and 0.00023; 1000 Genomes Project 30x 0.00156; 1000 Genomes Project 0.00180; TOPMed 0.00266; gnomAD 0.00353 and 0.00388.
gnomAD v4.1: 653 of 1,419,892 alleles (0.046%); highest among the groups gnomAD compares: African/African-American, 1.2%; 4 homozygotes.

Submissions (6):

Labcorp Genetics (formerly Invitae), Labcorp
Classification: Benign. Last evaluated: 2026-01-31. Review status: criteria provided, single submitter. Criteria: Invitae Variant Classification Sherloc (09022015). Collection method: clinical testing. Allele origin: germline.

Blueprint Genetics
Classification: Likely benign. Last evaluated: 2024-08-28. Review status: criteria provided, single submitter. Criteria: ACMG Guidelines, 2015. Collection method: clinical testing. Allele origin: germline.

CeGaT Center for Human Genetics Tuebingen
Classification: Likely benign. Last evaluated: 2022-11-01. Review status: criteria provided, single submitter. Criteria: CeGaT Center For Human Genetics Tuebingen Variant Classification Criteria Version 2. Collection method: clinical testing. Allele origin: germline. Affected: yes. Observed: 1 variant allele.
Comment: EIF2AK3: BP4, BP7, BS1

Fulgent Genetics
Classification: Likely benign for Wolcott-Rallison dysplasia. Last evaluated: 2021-08-17. Review status: criteria provided, single submitter. Criteria: ACMG Guidelines, 2015. Collection method: clinical testing. Allele origin: unknown.

Illumina Laboratory Services, Illumina
Classification: Benign for Wolcott-Rallison dysplasia. Last evaluated: 2017-04-28. Review status: criteria provided, single submitter. Criteria: ICSL Variant Classification Criteria 13 December 2019. Collection method: clinical testing. Allele origin: germline.
Comment: This variant was observed as part of a predisposition screen in an ostensibly healthy population. A literature search was performed for the gene, cDNA change, and amino acid change (where applicable). No publications were found based on this search. Allele frequency data from public databases was too high to be consistent with this variant causing disease. Therefore, this variant is classified as benign.

Breakthrough Genomics
Classification: Benign. Review status: criteria provided, single submitter. Criteria: ACMG Guidelines, 2015. Collection method: not provided. Allele origin: germline. Inheritance: Autosomal recessive inheritance. Affected: yes.

NM_004836.7(EIF2AK3):c.69C>T (p.Leu23=)

Gene: EIF2AK3 (eukaryotic translation initiation factor 2 alpha kinase 3; minus strand). Cytogenetic location: 2p11.2.
Variant type: single nucleotide variant.
Coding change: c.69C>T on transcript NM_004836.7 (MANE Select); coding-DNA position 69, C replaced by T.
Protein change: p.Leu23=; no amino-acid change (leucine 23 retained).
Molecular consequence: synonymous variant.
Genome position (GRCh38, 1-based): chr2:88,627,206, G>A on the plus strand (C>T on the coding strand, the complement: EIF2AK3 is on the minus strand). VCF-style: chr2-88627206-G-A. GRCh37 (hg19) VCF-style: chr2-88926724-G-A.
Identifiers: ClinVar variation 786862 (VCV000786862.41), dbSNP rs549451772, ClinGen allele CA1755015.